The following is an entry in ClinVar:

ClinVar aggregate classification (germline): Conflicting classifications of pathogenicity. Review status: criteria provided, conflicting classifications (1 of 4 stars). 3 submissions from 3 submitters: Likely pathogenic (1); Uncertain significance (2). Last evaluated 2025-06-24.

Allele frequency attached by ClinVar (database versions not stated): TOPMed below 0.00001; gnomAD 0.00001.
gnomAD v4.1: 2 of 1,613,830 alleles (0.00012%); highest among the groups gnomAD compares: Non-Finnish European, 0.000085%; no homozygotes.

Submissions (3):

Women's Health and Genetics/Laboratory Corporation of America, LabCorp
Classification: Uncertain significance. Last evaluated: 2025-06-24. Review status: criteria provided, single submitter. Criteria: LabCorp Variant Classification Summary - May 2015. Collection method: clinical testing. Allele origin: germline.
Comment: Variant summary: CDH23 c.1025A>G (p.Asn342Ser) results in a conservative amino acid change in the encoded protein sequence. Algorithms developed to predict the effect of missense changes on protein structure and function are either unavailable or do not agree on the potential impact of this missense change. The variant was absent in 249338 control chromosomes (gnomAD). c.1025A>G has been observed in individuals affected with autosomal recessive nonsyndromic hearing loss (Woo_2014, Labcorp (formerly Invitae)). These data indicate that the variant may be associated with disease. To our knowledge, no experimental evidence demonstrating an impact on protein function has been reported. The following publication have been ascertained in the context of this evaluation (PMID: 24767429). ClinVar contains an entry for this variant (Variation ID: 2136879). Based on the evidence outlined above, the variant was classified as VUS-possibly pathogenic.

GeneDx
Classification: Uncertain significance. Last evaluated: 2024-08-19. Review status: criteria provided, single submitter. Criteria: GeneDx Variant Classification Process June 2021. Collection method: clinical testing. Allele origin: germline. Affected: yes.
Comment: Not observed at significant frequency in large population cohorts (gnomAD); In silico analysis supports that this missense variant has a deleterious effect on protein structure/function; This variant is associated with the following publications: (PMID: 24767429)

Labcorp Genetics (formerly Invitae), Labcorp
Classification: Likely pathogenic. Last evaluated: 2024-01-06. Review status: criteria provided, single submitter. Criteria: Invitae Variant Classification Sherloc (09022015). Collection method: clinical testing. Allele origin: germline.
Comment: This sequence change replaces asparagine, which is neutral and polar, with serine, which is neutral and polar, at codon 342 of the CDH23 protein (p.Asn342Ser). This variant is present in population databases (no rsID available, gnomAD 0.007%). This missense change has been observed in individual(s) with autosomal recessive deafness (PMID: 24767429; Invitae). In at least one individual the data is consistent with being in trans (on the opposite chromosome) from a pathogenic variant. It has also been observed to segregate with disease in related individuals. ClinVar contains an entry for this variant (Variation ID: 2136879). Advanced modeling of protein sequence and biophysical properties (such as structural, functional, and spatial information, amino acid conservation, physicochemical variation, residue mobility, and thermodynamic stability) has been performed at Invitae for this missense variant, however the output from this modeling did not meet the statistical confidence thresholds required to predict the impact of this variant on CDH23 protein function. In summary, the currently available evidence indicates that the variant is pathogenic, but additional data are needed to prove that conclusively. Therefore, this variant has been classified as Likely Pathogenic.

Literature cited by the submitters: PubMed 24767429 (cited by Women's Health and Genetics/Laboratory Corporation of America, LabCorp and Labcorp Genetics (formerly Invitae), Labcorp).

NM_022124.6(CDH23):c.1025A>G (p.Asn342Ser)

Gene: CDH23 (cadherin related 23; plus strand). Cytogenetic location: 10q22.1.
Variant type: single nucleotide variant.
Coding change: c.1025A>G on transcript NM_022124.6 (MANE Select); coding-DNA position 1025, A replaced by G.
Protein change: p.Asn342Ser; replaces asparagine 342 with serine.
Molecular consequence: missense variant.
Genome position (GRCh38, 1-based): chr10:71,617,284, A>G. VCF-style: chr10-71617284-A-G. GRCh37 (hg19) VCF-style: chr10-73377041-A-G.
Other names: c.1025A>G, p.Asn342Ser (NM_001171930.2, NM_001171931.2, NM_001171932.2 and 1 more transcripts); c.1025A>G (NM_022124.5); short protein forms N342S.
Identifiers: ClinVar variation 2136879 (VCV002136879.7), dbSNP rs1451062499, ClinGen allele CA377122300.